The following is an entry in ClinVar:

ClinVar aggregate classification (germline): Likely pathogenic (1 of 4 stars; one submission).

Conditions:
Dilated cardiomyopathy 1DD (CMD1DD). Identifiers: Orphanet 154, MedGen C2750995, MONDO:0013168, OMIM 613172.

Submission:

Dasa
Classification: Likely pathogenic for Dilated cardiomyopathy 1DD. Last evaluated: 2024-12-05. Review status: criteria provided, single submitter. Criteria: DASA Assertion Criteria. Collection method: clinical testing. Allele origin: germline.
Comment: NM_001134363.3(RBM20):c.2062_2099dup (p.Lys700Asnfs*86) is a frameshift variant in RBM20 predicted to alter the reading frame and introduce a premature termination codon and is predicted to result in an absent or altered protein product. Loss of function is an established disease mechanism for RBM20-associated disorders. Published studies describe this variant in association with related phenotype (PMID: 34575212; PMID: 27496873). Also, this variant is absent from population databases. Based on the currently available evidence, this variant is classified as likely pathogenic.

Literature cited by the submitters: PubMed 34575212; PubMed 27496873.

NM_001134363.3(RBM20):c.2062_2099dup (p.Lys700fs)

Gene: RBM20 (RNA binding motif protein 20; plus strand). Cytogenetic location: 10q25.2.
Variant type: Duplication.
Coding change: c.2062_2099dup on transcript NM_001134363.3 (MANE Select); coding-DNA positions 2062 to 2099, 38 bases duplicated.
Protein change: p.Lys700fs; shifts the reading frame from lysine 700.
Molecular consequence: frameshift variant.
Genome position (GRCh38, 1-based): chr10:110,812,459-110,812,496, 38 bases duplicated. GRCh37 (hg19): chr10:112,572,217-112,572,254.
Other names: short protein forms K700fs.
Identifiers: ClinVar variation 4880828 (VCV004880828.2).